The following is an entry in ClinVar:

ClinVar aggregate classification (germline): Uncertain significance (1 of 4 stars; one submission).

Conditions:
Hereditary cancer-predisposing syndrome. Also called: Tumor predisposition; Hereditary Cancer Syndrome; Neoplastic Syndromes, Hereditary; Hereditary neoplastic syndrome. Identifiers: Orphanet 140162, MedGen C0027672, MeSH D009386, MONDO:0015356.

Submission:

Ambry Genetics
Classification: Uncertain significance for Hereditary cancer-predisposing syndrome. Last evaluated: 2020-01-29. Review status: criteria provided, single submitter. Criteria: Ambry Variant Classification Scheme 2023. Collection method: clinical testing. Allele origin: germline.
Comment: The p.T939S variant (also known as c.2815A>T), located in coding exon 17 of the ATM gene, results from an A to T substitution at nucleotide position 2815. The threonine at codon 939 is replaced by serine, an amino acid with similar properties. This amino acid position is not well conserved in available vertebrate species, and serine is the reference amino acid in other vertebrate species. In addition, this alteration is predicted to be tolerated by in silico analysis. Since supporting evidence is limited at this time, the clinical significance of this alteration remains unclear.

NM_000051.4(ATM):c.2815A>T (p.Thr939Ser)

Gene: ATM (ATM serine/threonine kinase; plus strand). Cytogenetic location: 11q22.3.
Variant type: single nucleotide variant.
Coding change: c.2815A>T on transcript NM_000051.4 (MANE Select); coding-DNA position 2815, A replaced by T.
Protein change: p.Thr939Ser; replaces threonine 939 with serine.
Molecular consequence: missense variant.
Genome position (GRCh38, 1-based): chr11:108,268,586, A>T. VCF-style: chr11-108268586-A-T. GRCh37 (hg19) VCF-style: chr11-108139313-A-T.
Other names: c.2815A>T, p.Thr939Ser (NM_001351834.2); short protein forms T939S.
Identifiers: ClinVar variation 1796374 (VCV001796374.2), dbSNP rs864622606, ClinGen allele CA382545749.
Genomic context (GRCh38, chr11:108,268,586, plus strand): 5'-AGGGCAGCTGATATTCGGAGGAAATTGTTAATGTTAATTGATTCTAGCACGCTAGAACCT[A>T]CCAAATCCCTCCACCTGCATATGGTGAGTTACGTTAAATGAAGAAGCTCTTGGATTTTAT-3'
Protein context (NP_000042.3, residues 929-949): MLIDSSTLEP[Thr939Ser]KSLHLHMYLM